The following is an entry in ClinVar:

ClinVar aggregate classification (germline): Likely pathogenic (1 of 4 stars; one submission).

Conditions:
Zellweger spectrum disorders (ZS). Also called: Zellweger Spectrum Disorder (ZSD); Zellweger syndrome; Zellweger Spectrum Disorder; Zellweger Spectrum. Identifiers: Orphanet 912, MedGen C0043459, MONDO:0019609.

Submission:

Natera, Inc.
Classification: Likely pathogenic for Zellweger syndrome. Last evaluated: 2024-10-17. Review status: criteria provided, single submitter. Criteria: Natera Variant Classification Schema (03/2026). Collection method: clinical testing. Allele origin: germline.
Comment: The c.1A>G variant in PEX1 is predicted to result in start loss due to disruption of the initiator methionine. This variant is expected to result in nonsense mediated decay, truncation, or a dysfunctional protein product. This variant is rare in the general population with a frequency below the threshold expected for the associated phenotype(s). Given the available evidence, this variant is classified as Likely Pathogenic.

NM_000466.3(PEX1):c.1A>G (p.Met1Val)

Genes: PEX1 (peroxisomal biogenesis factor 1; minus strand), LOC129998796 (ATAC-STARR-seq lymphoblastoid silent region 18372; plus strand). Cytogenetic location: 7q21.2.
Variant type: single nucleotide variant.
Coding change: c.1A>G on transcript NM_000466.3 (MANE Select); coding-DNA position 1, A replaced by G.
Protein change: p.Met1Val; changes the start codon (methionine 1).
Molecular consequence: missense variant, initiator codon variant. On other transcripts: 5 prime UTR variant (1).
Genome position (GRCh38, 1-based): chr7:92,528,435, T>C on the plus strand (A>G on the coding strand, the complement: PEX1 is on the minus strand). VCF-style: chr7-92528435-T-C. GRCh37 (hg19) VCF-style: chr7-92157749-T-C.
Other names: c.1A>G, p.Met1Val (NM_001282677.2); c.-659A>G (NM_001282678.2); short protein forms M1V.
Identifiers: ClinVar variation 4818391 (VCV004818391.1).